The following is an entry in ClinVar:

ClinVar aggregate classification (germline): Uncertain significance. Review status: no assertion criteria provided (0 of 4 stars). 2 submissions from 1 submitter: Uncertain significance (1). 1 of the submissions does not count toward it.

Submissions (2):

Richard Lifton Laboratory, Yale University School of Medicine
Classification: Uncertain significance. Review status: no assertion criteria provided. Collection method: not provided. Allele origin: somatic.
Comment: PKP1:p.P400L
ClinVar note: Converted during submission from unknown to Uncertain significance.

Richard Lifton Laboratory, Yale University School of Medicine
Classification: Likely pathogenic. Review status: flagged submission. Collection method: not provided. Allele origin: somatic. Not counted in ClinVar's aggregate classification.
ClinVar note: Converted during submission from probable-pathogenic to Likely pathogenic.
ClinVar note: Reason: This record appears to be redundant with a more recent record from the same submitter.
ClinVar note: Notes: SCV000120027 appears to be redundant with SCV000155130.

NM_001005337.3(PKP1):c.1199C>T (p.Pro400Leu)

Gene: PKP1 (plakophilin 1; plus strand). Cytogenetic location: 1q32.1.
Variant type: single nucleotide variant.
Coding change: c.1199C>T on transcript NM_001005337.3 (MANE Select); coding-DNA position 1199, C replaced by T.
Protein change: p.Pro400Leu; replaces proline 400 with leucine.
Molecular consequence: missense variant.
Genome position (GRCh38, 1-based): chr1:201,318,762, C>T. VCF-style: chr1-201318762-C-T. GRCh37 (hg19) VCF-style: chr1-201287890-C-T.
Other names: c.1199C>T, p.Pro400Leu (NM_000299.4); short protein forms P400L.
Identifiers: ClinVar variation 100807 (VCV000100807.3), dbSNP rs483352688, ClinGen allele CA228996.